The following is an entry in ClinVar:

NM_032043.3(BRIP1):c.1791T>C (p.Ala597=)

Gene: BRIP1 (BRCA1 interacting DNA helicase 1; minus strand). Cytogenetic location: 17q23.2.
Variant type: single nucleotide variant.
Coding change: c.1791T>C on transcript NM_032043.3 (MANE Select); coding-DNA position 1791, T replaced by C.
Protein change: p.Ala597=; no amino-acid change (alanine 597 retained).
Molecular consequence: synonymous variant.
Genome position (GRCh38, 1-based): chr17:61,780,843, A>G on the plus strand (T>C on the coding strand, the complement: BRIP1 is on the minus strand). VCF-style: chr17-61780843-A-G. GRCh37 (hg19) VCF-style: chr17-59858204-A-G.
Identifiers: ClinVar variation 1780203 (VCV001780203.6), dbSNP rs1060504323, ClinGen allele CA501150444.

ClinVar aggregate classification (germline): Benign/Likely benign. Review status: criteria provided, multiple submitters, no conflicts (2 of 4 stars). 3 submissions from 3 submitters: Benign (1); Likely benign (2). Last evaluated 2024-08-29.

Conditions:
Hereditary cancer-predisposing syndrome. Also called: Tumor predisposition; Neoplastic Syndromes, Hereditary; Hereditary Cancer Syndrome; Hereditary neoplastic syndrome. Identifiers: Orphanet 140162, MedGen C0027672, MeSH D009386, MONDO:0015356.
Fanconi anemia complementation group J. Also called: BRIP1-Related Fanconi Anemia. Identifiers: Orphanet 84, MedGen C1836860, MONDO:0012187, OMIM 609054.
Familial cancer of breast. Also called: BREAST CANCER, FAMILIAL; Hereditary breast cancer; hereditary breast carcinoma. Identifiers: Orphanet 227535, MedGen C0346153, MONDO:0016419, OMIM 114480. Disease mechanism: loss of function.

Submissions (3):

Myriad Genetics, Inc.
Classification: Benign for Familial cancer of breast. Last evaluated: 2024-08-29. Review status: criteria provided, single submitter. Criteria: Myriad Autosomal Dominant, Autosomal Recessive and X-Linked Classification Criteria (2023). Collection method: clinical testing. Allele origin: unknown.
Comment: This variant is considered benign. This variant is a silent/synonymous amino acid change and it is not expected to impact splicing.

Labcorp Genetics (formerly Invitae), Labcorp
Classification: Likely benign for Familial cancer of breast; Fanconi anemia complementation group J. Last evaluated: 2023-04-13. Review status: criteria provided, single submitter. Criteria: Invitae Variant Classification Sherloc (09022015). Collection method: clinical testing. Allele origin: germline.

Ambry Genetics
Classification: Likely benign for Hereditary cancer-predisposing syndrome. Last evaluated: 2021-10-07. Review status: criteria provided, single submitter. Criteria: Ambry Variant Classification Scheme 2023. Collection method: clinical testing. Allele origin: germline.